The following is an entry in ClinVar:

ClinVar aggregate classification (germline): Uncertain significance (1 of 4 stars; one submission).

Conditions:
Hereditary cancer-predisposing syndrome. Also called: Hereditary Cancer Syndrome; Hereditary neoplastic syndrome; Neoplastic Syndromes, Hereditary; Tumor predisposition. Identifiers: Orphanet 140162, MedGen C0027672, MeSH D009386, MONDO:0015356.

Submission:

Labcorp Genetics (formerly Invitae), Labcorp
Classification: Uncertain significance for Hereditary cancer-predisposing syndrome. Last evaluated: 2025-01-23. Review status: criteria provided, single submitter. Criteria: Invitae Variant Classification Sherloc (09022015). Collection method: clinical testing. Allele origin: germline.
Comment: This sequence change replaces leucine, which is neutral and non-polar, with valine, which is neutral and non-polar, at codon 528 of the RAD50 protein (p.Leu528Val). This variant is not present in population databases (gnomAD no frequency). This variant has not been reported in the literature in individuals affected with RAD50-related conditions. Invitae Evidence Modeling of protein sequence and biophysical properties (such as structural, functional, and spatial information, amino acid conservation, physicochemical variation, residue mobility, and thermodynamic stability) indicates that this missense variant is not expected to disrupt RAD50 protein function with a negative predictive value of 80%. Algorithms developed to predict the effect of sequence changes on RNA splicing suggest that this variant may disrupt the consensus splice site. In summary, the available evidence is currently insufficient to determine the role of this variant in disease. Therefore, it has been classified as a Variant of Uncertain Significance.

NM_005732.4(RAD50):c.1582T>G (p.Leu528Val)

Gene: RAD50 (RAD50 double strand break repair protein; plus strand). Cytogenetic location: 5q31.1.
Variant type: single nucleotide variant.
Coding change: c.1582T>G on transcript NM_005732.4 (MANE Select); coding-DNA position 1582, T replaced by G.
Protein change: p.Leu528Val; replaces leucine 528 with valine.
Molecular consequence: missense variant.
Genome position (GRCh38, 1-based): chr5:132,591,353, T>G. VCF-style: chr5-132591353-T-G. GRCh37 (hg19) VCF-style: chr5-131927045-T-G.
Other names: short protein forms L528V.
Identifiers: ClinVar variation 3666708 (VCV003666708.2).